The following is an entry in ClinVar:

ClinVar aggregate classification (germline): Likely pathogenic (1 of 4 stars; one submission).

Submission:

CeGaT Center for Human Genetics Tuebingen
Classification: Likely pathogenic. Last evaluated: 2025-10-01. Review status: criteria provided, single submitter. Criteria: CeGaT Center For Human Genetics Tuebingen Variant Classification Criteria Version 2. Collection method: clinical testing. Allele origin: germline. Affected: yes. Observed: 1 variant allele.
Comment: KIF1A: PM1, PM2, PM3:Supporting, PP2, PP3

NM_001244008.2(KIF1A):c.733A>C (p.Ser245Arg)

Gene: KIF1A (kinesin family member 1A; minus strand). Cytogenetic location: 2q37.3.
Variant type: single nucleotide variant.
Coding change: c.733A>C on transcript NM_001244008.2 (MANE Select); coding-DNA position 733, A replaced by C.
Protein change: p.Ser245Arg; replaces serine 245 with arginine.
Molecular consequence: missense variant.
Genome position (GRCh38, 1-based): chr2:240,783,804, T>G on the plus strand (A>C on the coding strand, the complement: KIF1A is on the minus strand). VCF-style: chr2-240783804-T-G. GRCh37 (hg19) VCF-style: chr2-241723221-T-G.
Other names: c.733A>C, p.Ser245Arg (NM_001320705.2, NM_001330289.2, NM_001330290.2 and 20 more transcripts); short protein forms S245R.
Identifiers: ClinVar variation 3389696 (VCV003389696.14).